The following is an entry in ClinVar:

NM_007294.4(BRCA1):c.202A>C (p.Ile68Leu)

Gene: BRCA1 (BRCA1 DNA repair associated; minus strand). Cytogenetic location: 17q21.31.
Variant type: single nucleotide variant.
Coding change: c.202A>C on transcript NM_007294.4 (MANE Select); coding-DNA position 202, A replaced by C.
Protein change: p.Ile68Leu; replaces isoleucine 68 with leucine.
Molecular consequence: missense variant.
Genome position (GRCh38, 1-based): chr17:43,106,466, T>G on the plus strand (A>C on the coding strand, the complement: BRCA1 is on the minus strand). VCF-style: chr17-43106466-T-G. GRCh37 (hg19) VCF-style: chr17-41258483-T-G.
Other names: c.202A>C, p.Ile68Leu (NM_001407581.1, NM_001407582.1, NM_001407583.1 and 168 more transcripts); c.61A>C, p.Ile21Leu (NM_001407692.1, NM_001407694.1, NM_001407695.1 and 99 more transcripts); short protein forms I21L, I68L.
Identifiers: ClinVar variation 867940 (VCV000867940.3), dbSNP rs1555597195, ClinGen allele CA10601764.

Conditions:
Breast-ovarian cancer, familial, susceptibility to, 1 (BROVCA1). Also called: BRCA1 Hereditary Breast and Ovarian Cancer; OVARIAN CANCER, SUSCEPTIBILITY TO. Identifiers: Orphanet 145, MedGen C2676676, MONDO:0011450, OMIM 604370. Disease mechanism: loss of function.

Submission:

Brotman Baty Institute, University of Washington
No classification provided (evidence only). Condition: Breast-ovarian cancer, familial 1. Review status: no classification provided. Collection method: in vitro. Allele origin: not applicable. Functional consequence: functionally_normal.
ClinVar note: "not provided" was previously submitted as the classification for the variant. However, the classification appeared to be based only on an observation of functional data so it was converted to no classification on 2025-07-30.